The following is an entry in ClinVar:

NM_001039141.3(TRIOBP):c.4099C>T (p.Arg1367Trp)

Gene: TRIOBP (TRIO and F-actin binding protein; plus strand). Cytogenetic location: 22q13.1.
Variant type: single nucleotide variant.
Coding change: c.4099C>T on transcript NM_001039141.3 (MANE Select); coding-DNA position 4099, C replaced by T.
Protein change: p.Arg1367Trp; replaces arginine 1367 with tryptophan.
Molecular consequence: missense variant.
Genome position (GRCh38, 1-based): chr22:37,734,435, C>T. VCF-style: chr22-37734435-C-T. GRCh37 (hg19) VCF-style: chr22-38130442-C-T.
Other names: short protein forms R1367W.
Identifiers: ClinVar variation 43853 (VCV000043853.34), dbSNP rs191589773, ClinGen allele CA133030.

ClinVar aggregate classification (germline): Likely benign. Review status: criteria provided, multiple submitters, no conflicts (2 of 4 stars). 7 submissions from 7 submitters: Likely benign (6). 1 of the submissions does not count toward it. Last evaluated 2025-11-08.

Conditions:
TRIOBP-related disorder. Also called: TRIOBP-related condition.

Allele frequency attached by ClinVar (database versions not stated): gnomAD exomes 0.00055; ExAC 0.00078; gnomAD 0.00097 and 0.00107; TOPMed 0.00103; ESP Exome Variant Server 0.00115; 1000 Genomes Project 30x 0.00187; 1000 Genomes Project 0.00200.
gnomAD v4.1: 535 of 1,613,240 alleles (0.033%); highest among the groups gnomAD compares: African/African-American, 0.3%; 4 homozygotes.

Submissions (7):

Labcorp Genetics (formerly Invitae), Labcorp
Classification: Likely benign. Last evaluated: 2025-11-08. Review status: criteria provided, single submitter. Criteria: Invitae Variant Classification Sherloc (09022015). Collection method: clinical testing. Allele origin: germline.

CeGaT Center for Human Genetics Tuebingen
Classification: Likely benign. Last evaluated: 2025-02-01. Review status: criteria provided, single submitter. Criteria: CeGaT Center For Human Genetics Tuebingen Variant Classification Criteria Version 2. Collection method: clinical testing. Allele origin: germline. Affected: yes. Observed: 1 variant allele.
Comment: TRIOBP: BP4

Blueprint Genetics
Classification: Likely benign. Last evaluated: 2024-07-19. Review status: criteria provided, single submitter. Criteria: ACMG Guidelines, 2015. Collection method: clinical testing. Allele origin: germline.

GeneDx
Classification: Likely benign. Last evaluated: 2021-01-09. Review status: criteria provided, single submitter. Criteria: GeneDx Variant Classification Process June 2021. Collection method: clinical testing. Allele origin: germline. Affected: yes.

Laboratory for Molecular Medicine, Mass General Brigham Personalized Medicine
Classification: Likely benign. Last evaluated: 2016-06-21. Review status: criteria provided, single submitter. Criteria: LMM Criteria. Collection method: clinical testing. Allele origin: germline. Observed: 4 variant alleles.
Comment: p.Arg1367Trp in exon 09 of TRIOBP: This variant is not expected to have clinical significance because it has been identified in 0.4% (33/9248) of African chromo somes and in 0.3% (53/16284) of South Asian chromosomes by the Exome Aggregation Consortium (ExAC; dbSNP rs191589773).

Eurofins Ntd Llc (ga)
Classification: Likely benign. Last evaluated: 2016-03-16. Review status: criteria provided, single submitter. Criteria: EGL Classification Definitions 2015. Collection method: clinical testing. Allele origin: germline. Observed: 1 variant allele, 1 heterozygote.

PreventionGenetics, part of Exact Sciences
Classification: Likely benign for TRIOBP-related condition. Last evaluated: 2023-07-12. Review status: no assertion criteria provided. Collection method: clinical testing. Allele origin: germline. Not counted in ClinVar's aggregate classification.
Comment: This variant is classified as likely benign based on ACMG/AMP sequence variant interpretation guidelines (Richards et al. 2015 PMID: 25741868, with internal and published modifications).